The following is an entry in ClinVar:

ClinVar aggregate classification (germline): Uncertain significance (1 of 4 stars; one submission).

gnomAD v4.1: 15 of 1,610,476 alleles (0.00093%); highest among the groups gnomAD compares: Non-Finnish European, 0.0013%; no homozygotes.

Submission:

CeGaT Center for Human Genetics Tuebingen
Classification: Uncertain significance. Last evaluated: 2025-05-01. Review status: criteria provided, single submitter. Criteria: CeGaT Center For Human Genetics Tuebingen Variant Classification Criteria Version 2. Collection method: clinical testing. Allele origin: germline. Affected: yes. Observed: 1 variant allele.
Comment: UGP2: PM2

NM_006759.4(UGP2):c.800T>C (p.Leu267Pro)

Gene: UGP2 (UDP-glucose pyrophosphorylase 2; plus strand). Cytogenetic location: 2p15.
Variant type: single nucleotide variant.
Coding change: c.800T>C on transcript NM_006759.4 (MANE Select); coding-DNA position 800, T replaced by C.
Protein change: p.Leu267Pro; replaces leucine 267 with proline.
Molecular consequence: missense variant.
Genome position (GRCh38, 1-based): chr2:63,885,813, T>C. VCF-style: chr2-63885813-T-C. GRCh37 (hg19) VCF-style: chr2-64112947-T-C.
Other names: c.767T>C, p.Leu256Pro (NM_001001521.2, NM_001377524.1, NM_001377525.1); c.440T>C, p.Leu147Pro (NM_001377526.1, NM_001377527.1, NM_001377528.1 and 1 more transcripts); short protein forms L147P, L256P, L267P.
Identifiers: ClinVar variation 3905077 (VCV003905077.10).